The following is an entry in ClinVar:

NM_000059.4(BRCA2):c.6070C>G (p.Gln2024Glu)

Gene: BRCA2 (BRCA2 DNA repair associated; plus strand). Cytogenetic location: 13q13.1.
Variant type: single nucleotide variant.
Coding change: c.6070C>G on transcript NM_000059.4 (MANE Select); coding-DNA position 6070, C replaced by G.
Protein change: p.Gln2024Glu; replaces glutamine 2024 with glutamic acid.
Molecular consequence: missense variant.
Genome position (GRCh38, 1-based): chr13:32,340,425, C>G. VCF-style: chr13-32340425-C-G. GRCh37 (hg19) VCF-style: chr13-32914562-C-G.
Other names: short protein forms Q2024E.
Identifiers: ClinVar variation 947995 (VCV000947995.11), dbSNP rs80358844, ClinGen allele CA387787966.

ClinVar aggregate classification (germline): Conflicting classifications of pathogenicity. Review status: criteria provided, conflicting classifications (1 of 4 stars). 2 submissions from 2 submitters: Uncertain significance (1); Likely benign (1). Last evaluated 2023-03-23.

Conditions:
Hereditary cancer-predisposing syndrome. Also called: Hereditary neoplastic syndrome; Neoplastic Syndromes, Hereditary; Tumor predisposition; Hereditary Cancer Syndrome. Identifiers: Orphanet 140162, MedGen C0027672, MeSH D009386, MONDO:0015356.
Hereditary breast ovarian cancer syndrome. Also called: Hereditary breast and/or ovarian cancer syndrome; Hereditary breast and ovarian cancer syndrome; Hereditary breast and ovarian cancer syndrome (HBOC); Breast and ovarian cancer; BRCA1- and BRCA2-Associated Hereditary Breast and Ovarian Cancer; Hereditary breast and ovarian cancer. Identifiers: Orphanet 145, MedGen C0677776, MeSH D061325, MONDO:0003582. Disease mechanism: loss of function.

Allele frequency attached by ClinVar (database versions not stated): gnomAD exomes below 0.00001.
gnomAD v4.1: 1 of 1,613,698 alleles (0.000062%); highest among the groups gnomAD compares: Non-Finnish European, 0.000085%; no homozygotes.

Submissions (2):

University of Washington Department of Laboratory Medicine, University of Washington
Classification: Likely benign for Hereditary cancer-predisposing syndrome. Last evaluated: 2023-03-23. Review status: criteria provided, single submitter. Criteria: Dines et al. (Genet Med. 2020). Collection method: curation. Allele origin: germline.
Comment: Missense variant in a coldspot region where missense variants are very unlikely to be pathogenic (PMID:31911673).

BRCA2 exon 11 coldspot. Reclassification based on statistical prior probability.

Labcorp Genetics (formerly Invitae), Labcorp
Classification: Uncertain significance for Hereditary breast ovarian cancer syndrome. Last evaluated: 2019-08-10. Review status: criteria provided, single submitter. Criteria: Invitae Variant Classification Sherloc (09022015). Collection method: clinical testing. Allele origin: germline.
Comment: In summary, the available evidence is currently insufficient to determine the role of this variant in disease. Therefore, it has been classified as a Variant of Uncertain Significance. Algorithms developed to predict the effect of missense changes on protein structure and function (SIFT, PolyPhen-2, Align-GVGD) all suggest that this variant is likely to be tolerated, but these predictions have not been confirmed by published functional studies and their clinical significance is uncertain. This variant has not been reported in the literature in individuals with BRCA2-related conditions. This variant is not present in population databases (ExAC no frequency). This sequence change replaces glutamine with glutamic acid at codon 2024 of the BRCA2 protein (p.Gln2024Glu). The glutamine residue is weakly conserved and there is a small physicochemical difference between glutamine and glutamic acid.